The following is an entry in ClinVar:

NM_004168.4(SDHA):c.545A>C (p.Lys182Thr)

Gene: SDHA (succinate dehydrogenase complex flavoprotein subunit A; plus strand). Cytogenetic location: 5p15.33.
Variant type: single nucleotide variant.
Coding change: c.545A>C on transcript NM_004168.4 (MANE Select); coding-DNA position 545, A replaced by C.
Protein change: p.Lys182Thr; replaces lysine 182 with threonine.
Molecular consequence: missense variant.
Genome position (GRCh38, 1-based): chr5:225,971, A>C. VCF-style: chr5-225971-A-C. GRCh37 (hg19) VCF-style: chr5-226086-A-C.
Other names: c.401A>C, p.Lys134Thr (NM_001294332.2); c.545A>C, p.Lys182Thr (NM_001330758.2); short protein forms K134T, K182T.
Identifiers: ClinVar variation 1747647 (VCV001747647.2), dbSNP rs1269170598, ClinGen allele CA359010340.

ClinVar aggregate classification (germline): Uncertain significance (1 of 4 stars; one submission).

Conditions:
Hereditary cancer-predisposing syndrome. Also called: Hereditary Cancer Syndrome; Neoplastic Syndromes, Hereditary; Tumor predisposition; Hereditary neoplastic syndrome. Identifiers: Orphanet 140162, MedGen C0027672, MeSH D009386, MONDO:0015356.

Submission:

Ambry Genetics
Classification: Uncertain significance for Hereditary cancer-predisposing syndrome. Last evaluated: 2022-06-20. Review status: criteria provided, single submitter. Criteria: Ambry Variant Classification Scheme 2023. Collection method: clinical testing. Allele origin: germline.
Comment: The p.K182T variant (also known as c.545A>C), located in coding exon 5 of the SDHA gene, results from an A to C substitution at nucleotide position 545. The lysine at codon 182 is replaced by threonine, an amino acid with similar properties. This amino acid position is conserved. In addition, the in silico prediction for this alteration is inconclusive. Since supporting evidence is limited at this time, the clinical significance of this alteration remains unclear.